The following is an entry in ClinVar:

NM_052989.3(IFT122):c.2682G>A (p.Ala894=)

Gene: IFT122 (intraflagellar transport 122; plus strand). Cytogenetic location: 3q22.1.
Variant type: single nucleotide variant.
Coding change: c.2682G>A on transcript NM_052989.3 (MANE Select); coding-DNA position 2682, G replaced by A.
Protein change: p.Ala894=; no amino-acid change (alanine 894 retained).
Molecular consequence: synonymous variant.
Genome position (GRCh38, 1-based): chr3:129,506,440, G>A. VCF-style: chr3-129506440-G-A. GRCh37 (hg19) VCF-style: chr3-129225283-G-A.
Other names: p.Ala945=; c.2349G>A, p.Ala783= (NM_052990.3); c.2658G>A, p.Ala886= (NM_001280541.2); c.2232G>A, p.Ala744= (NM_001280545.2); c.2055G>A, p.Ala685= (NM_001280546.2); c.2505G>A, p.Ala835= (NM_018262.4); c.2835G>A, p.Ala945= (NM_052985.4).
Identifiers: ClinVar variation 530931 (VCV000530931.22), dbSNP rs61741773, ClinGen allele CA2606620.

ClinVar aggregate classification (germline): Benign/Likely benign. Review status: criteria provided, multiple submitters, no conflicts (2 of 4 stars). 5 submissions from 5 submitters: Benign (3); Likely benign (2). Last evaluated 2026-01-26.

Conditions:
Connective tissue disorder. Also called: Connective tissue disease. Identifiers: MedGen C0009782, MONDO:0003900.
Cranioectodermal dysplasia 1 (CED1). Also called: LEVIN SYNDROME I. Identifiers: Orphanet 1515, MedGen C0432235, MONDO:0021093, OMIM 218330.

Allele frequency attached by ClinVar (database versions not stated): gnomAD exomes 0.00082 and 0.00214; ExAC 0.00264; 1000 Genomes Project 0.00839; 1000 Genomes Project 30x 0.00843; gnomAD 0.00844 and 0.00905; TOPMed 0.00984; ESP Exome Variant Server 0.00992.
gnomAD v4.1: 2,543 of 1,614,152 alleles (0.16%); highest among the groups gnomAD compares: African/African-American, 3%; 25 homozygotes.

Submissions (5):

Labcorp Genetics (formerly Invitae), Labcorp
Classification: Benign for Cranioectodermal dysplasia 1. Last evaluated: 2026-01-26. Review status: criteria provided, single submitter. Criteria: Invitae Variant Classification Sherloc (09022015). Collection method: clinical testing. Allele origin: germline.

Mayo Clinic Laboratories, Mayo Clinic
Classification: Likely benign. Last evaluated: 2025-06-20. Review status: criteria provided, single submitter. Criteria: ACMG Guidelines, 2015. Collection method: clinical testing. Allele origin: germline. Observed: 1 variant allele.
Comment: BS1, BP4, BP7

Genome Diagnostics Laboratory, The Hospital for Sick Children
Classification: Benign for Connective tissue disorder. Last evaluated: 2022-04-22. Review status: criteria provided, single submitter. Criteria: ACMG Guidelines, 2015. Collection method: clinical testing. Allele origin: germline.

GeneDx
Classification: Likely benign. Last evaluated: 2021-09-11. Review status: criteria provided, single submitter. Criteria: GeneDx Variant Classification Process June 2021. Collection method: clinical testing. Allele origin: germline. Affected: yes.

Illumina Laboratory Services, Illumina
Classification: Benign for Cranioectodermal dysplasia 1. Last evaluated: 2017-04-27. Review status: criteria provided, single submitter. Criteria: ICSL Variant Classification Criteria 13 December 2019. Collection method: clinical testing. Allele origin: germline.
Comment: This variant was observed as part of a predisposition screen in an ostensibly healthy population. A literature search was performed for the gene, cDNA change, and amino acid change (where applicable). No publications were found based on this search. Allele frequency data from public databases was too high to be consistent with this variant causing disease. Therefore, this variant is classified as benign.